The following is an entry in ClinVar:

ClinVar aggregate classification (germline): Uncertain significance (1 of 4 stars; one submission).

Allele frequency attached by ClinVar (database versions not stated): ExAC 0.00001; gnomAD 0.00001; gnomAD exomes 0.00002.
gnomAD v4.1: 10 of 1,613,978 alleles (0.00062%); highest among the groups gnomAD compares: South Asian, 0.0099%; no homozygotes.

Submission:

Labcorp Genetics (formerly Invitae), Labcorp
Classification: Uncertain significance. Last evaluated: 2025-06-02. Review status: criteria provided, single submitter. Criteria: Invitae Variant Classification Sherloc (09022015). Collection method: clinical testing. Allele origin: germline.
Comment: This sequence change replaces glutamic acid, which is acidic and polar, with lysine, which is basic and polar, at codon 514 of the MYLK3 protein (p.Glu514Lys). This variant is present in population databases (rs767335669, gnomAD 0.02%). This variant has not been reported in the literature in individuals affected with MYLK3-related conditions. ClinVar contains an entry for this variant (Variation ID: 1514543). An algorithm developed to predict the effect of missense changes on protein structure and function (PolyPhen-2) suggests that this variant is likely to be tolerated. Algorithms developed to predict the effect of sequence changes on RNA splicing suggest that this variant may create or strengthen a splice site. In summary, the available evidence is currently insufficient to determine the role of this variant in disease. Therefore, it has been classified as a Variant of Uncertain Significance.

NM_182493.3(MYLK3):c.1540G>A (p.Glu514Lys)

Gene: MYLK3 (myosin light chain kinase 3; minus strand). Cytogenetic location: 16q11.2.
Variant type: single nucleotide variant.
Coding change: c.1540G>A on transcript NM_182493.3 (MANE Select); coding-DNA position 1540, G replaced by A.
Protein change: p.Glu514Lys; replaces glutamic acid 514 with lysine.
Molecular consequence: missense variant.
Genome position (GRCh38, 1-based): chr16:46,730,621, C>T on the plus strand (G>A on the coding strand, the complement: MYLK3 is on the minus strand). VCF-style: chr16-46730621-C-T. GRCh37 (hg19) VCF-style: chr16-46764533-C-T.
Other names: c.517G>A, p.Glu173Lys (NM_001308301.1); short protein forms E173K, E514K.
Identifiers: ClinVar variation 1514543 (VCV001514543.8), dbSNP rs767335669, ClinGen allele CA8037950.